The following is an entry in ClinVar:

NM_152743.4(BRAT1):c.1862G>C (p.Arg621Pro)

Gene: BRAT1 (BRCA1 associated ATM activator 1; minus strand). Cytogenetic location: 7p22.3.
Variant type: single nucleotide variant.
Coding change: c.1862G>C on transcript NM_152743.4 (MANE Select); coding-DNA position 1862, G replaced by C.
Protein change: p.Arg621Pro; replaces arginine 621 with proline.
Molecular consequence: missense variant. On other transcripts: non-coding transcript variant (1).
Genome position (GRCh38, 1-based): chr7:2,538,673, C>G on the plus strand (G>C on the coding strand, the complement: BRAT1 is on the minus strand). VCF-style: chr7-2538673-C-G. GRCh37 (hg19) VCF-style: chr7-2578307-C-G.
Other names: c.2042G>C, p.Arg681Pro (NM_001350626.2); c.1337G>C, p.Arg446Pro (NM_001350627.2); short protein forms R446P, R621P, R681P.
Identifiers: ClinVar variation 2580208 (VCV002580208.1), dbSNP rs138077616, ClinGen allele CA366625447.

ClinVar aggregate classification (germline): Uncertain significance (1 of 4 stars; one submission).

Conditions:
Neurodevelopmental disorder with cerebellar atrophy and with or without seizures. Identifiers: MedGen C4748032, MONDO:0020841, OMIM 618056.

gnomAD v4.1: 3 of 1,598,226 alleles (0.00019%); highest among the groups gnomAD compares: Admixed American, 0.0017%; no homozygotes.

Submission:

Illumina Laboratory Services, Illumina
Classification: Uncertain significance for Neurodevelopmental disorder with cerebellar atrophy and with or without seizures. Last evaluated: 2023-04-25. Review status: criteria provided, single submitter. Criteria: ICSLVariantClassificationCriteria RUGD 01 April 2020. Collection method: clinical testing. Allele origin: unknown.
Comment: The BRAT1 c.1862G>C (p.Arg621Pro) missense variant has not, to our knowledge, been reported in the peer-reviewed literature. This variant is found in one allele at a frequency of 0.000065 in Latino/Admixed American population of the Genome Aggregation Database (version 3.1.2). Based on the available evidence, the c.1862G>C (p.Arg621Pro) variant is classified as variant of uncertain significance for neurodevelopmental disorder with cerebellar atrophy and with or without seizures.